The following is an entry in ClinVar:

ClinVar aggregate classification (germline): Likely pathogenic (1 of 4 stars; one submission).

Conditions:
Inborn genetic diseases. Identifiers: MedGen C0950123, MeSH D030342.

Submission:

Ambry Genetics
Classification: Likely pathogenic for Inborn genetic diseases. Last evaluated: 2025-09-05. Review status: criteria provided, single submitter. Criteria: Ambry Variant Classification Scheme 2023. Collection method: clinical testing. Allele origin: germline.
Comment: The c.112-1G>A intronic variant results from a G to A substitution one nucleotide before coding exon 2 of the SMARCC2 gene. Alterations that disrupt the canonical splice site are expected to cause aberrant splicing, resulting in an abnormal protein or a transcript that is subject to nonsense-mediated mRNA decay. This variant was not reported in population-based cohorts in the Genome Aggregation Database (gnomAD). This nucleotide position is highly conserved in available vertebrate species. In silico splice site analysis predicts that this alteration will weaken the native splice acceptor site and will result in the creation or strengthening of a novel splice acceptor site. Based on the available evidence, this alteration is classified as likely pathogenic.

NM_001330288.2(SMARCC2):c.112-1G>A

Gene: SMARCC2 (SWI/SNF related BAF chromatin remodeling complex subunit C2; minus strand). Cytogenetic location: 12q13.2.
Variant type: single nucleotide variant.
Coding change: c.112-1G>A on transcript NM_001330288.2 (MANE Select); the canonical splice acceptor site of the intron before coding-DNA position 112, G replaced by A.
Molecular consequence: splice acceptor variant.
Genome position (GRCh38, 1-based): chr12:56,187,307, C>T on the plus strand (G>A on the coding strand, the complement: SMARCC2 is on the minus strand). VCF-style: chr12-56187307-C-T. GRCh37 (hg19) VCF-style: chr12-56581091-C-T.
Other names: c.112-1G>A (NM_003075.5, NM_139067.4, NM_001130420.3).
Identifiers: ClinVar variation 4170278 (VCV004170278.1).